The following is an entry in ClinVar:

ClinVar aggregate classification (germline): Uncertain significance (1 of 4 stars; one submission).

Conditions:
Cardiovascular phenotype. Identifiers: MedGen CN230736.

Submission:

Ambry Genetics
Classification: Uncertain significance for Cardiovascular phenotype. Last evaluated: 2024-08-16. Review status: criteria provided, single submitter. Criteria: Ambry Variant Classification Scheme 2023. Collection method: clinical testing. Allele origin: germline.
Comment: The p.E563Q variant (also known as c.1687G>C), located in coding exon 12 of the VCL gene, results from a G to C substitution at nucleotide position 1687. The glutamic acid at codon 563 is replaced by glutamine, an amino acid with highly similar properties. This amino acid position is conserved. In addition, this alteration is predicted to be tolerated by in silico analysis. Based on the available evidence, the clinical significance of this variant remains unclear.

NM_014000.3(VCL):c.1687G>C (p.Glu563Gln)

Gene: VCL (vinculin; plus strand). Cytogenetic location: 10q22.2.
Variant type: single nucleotide variant.
Coding change: c.1687G>C on transcript NM_014000.3 (MANE Select); coding-DNA position 1687, G replaced by C.
Protein change: p.Glu563Gln; replaces glutamic acid 563 with glutamine.
Molecular consequence: missense variant.
Genome position (GRCh38, 1-based): chr10:74,095,799, G>C. VCF-style: chr10-74095799-G-C. GRCh37 (hg19) VCF-style: chr10-75855557-G-C.
Other names: c.1687G>C, p.Glu563Gln (NM_003373.4); short protein forms E563Q.
Identifiers: ClinVar variation 3467798 (VCV003467798.1).
Genomic context (GRCh38, chr10:74,095,799, plus strand): 5'-GCCAAGTGTGACCGAGTGGACCAGCTGACAGCCCAGCTGGCTGACCTGGCTGCCAGAGGG[G>C]AAGGGGAGAGTCCTCAGGCACGAGCACTTGCATCTCAGCTCCAAGACTCCTTAAAGGTAG-3'
Protein context (NP_054706.1, residues 553-573): AQLADLAARG[Glu563Gln]GESPQARALA